The following is an entry in ClinVar:

ClinVar aggregate classification (germline): Uncertain significance (1 of 4 stars; one submission).

Conditions:
Hereditary cancer-predisposing syndrome. Also called: Tumor predisposition; Neoplastic Syndromes, Hereditary; Hereditary neoplastic syndrome; Hereditary Cancer Syndrome. Identifiers: Orphanet 140162, MedGen C0027672, MeSH D009386, MONDO:0015356.

Submission:

Ambry Genetics
Classification: Uncertain significance for Hereditary cancer-predisposing syndrome. Last evaluated: 2025-08-27. Review status: criteria provided, single submitter. Criteria: Ambry Variant Classification Scheme 2023. Collection method: clinical testing. Allele origin: germline.
Comment: The p.S395A variant (also known as c.1183T>G), located in coding exon 12 of the MUTYH gene, results from a T to G substitution at nucleotide position 1183. The serine at codon 395 is replaced by alanine, an amino acid with similar properties. This amino acid position is conserved. In addition, the in silico prediction for this alteration is inconclusive. Based on the available evidence, the clinical significance of this variant remains unclear.

NM_001048174.2(MUTYH):c.1099T>G (p.Ser367Ala)

Gene: MUTYH (mutY DNA glycosylase; minus strand). Cytogenetic location: 1p34.1.
Variant type: single nucleotide variant.
Coding change: c.1099T>G on transcript NM_001048174.2 (MANE Select); coding-DNA position 1099, T replaced by G.
Protein change: p.Ser367Ala; replaces serine 367 with alanine.
Molecular consequence: missense variant. On other transcripts: non-coding transcript variant (7).
Genome position (GRCh38, 1-based): chr1:45,331,664, A>C on the plus strand (T>G on the coding strand, the complement: MUTYH is on the minus strand). VCF-style: chr1-45331664-A-C. GRCh37 (hg19) VCF-style: chr1-45797336-A-C.
Other names: c.823T>G, p.Ser275Ala (NM_001293192.2, NM_001293196.2, NM_001407091.1); c.1099T>G, p.Ser367Ala (NM_001293195.2, NM_001407070.1, NM_001407072.1 and 6 more transcripts); c.754T>G, p.Ser252Ala (NM_001350650.2, NM_001350651.2, NM_001407082.1); c.1132T>G, p.Ser378Ala (NM_001407069.1, NM_001407077.1, NM_001293191.2); c.1102T>G, p.Ser368Ala (NM_001407071.1, NM_001407086.1, NM_001407078.1 and 1 more transcripts); c.1015T>G, p.Ser339Ala (NM_001407075.1); c.1141T>G, p.Ser381Ala (NM_001407085.1, NM_001407083.1); c.1120T>G, p.Ser374Ala (NM_001407087.1); and 5 more; short protein forms S275A, S378A, S354A, S381A, S382A, S339A, S353A, S367A.
Identifiers: ClinVar variation 4113084 (VCV004113084.1).
Genomic context (GRCh38, chr1:45,331,664, plus strand): 5'-CCCTCCATTCTCTCTTGTTACTCATGCCACTGCCCTCCACGCCCAGTATCCAGGTACCTG[A>C]GTTGGGCCTCTGCACCAGCAGAATTTGGGCCCCAAGGGCCCCAGGCTGTTCCAGAACACA-3'
Protein context (NP_001041639.1, residues 357-377): AQILLVQRPN[Ser367Ala]GLLAGLWEFP